The following is an entry in ClinVar:

NM_016239.4(MYO15A):c.8239G>A (p.Asp2747Asn)

Gene: MYO15A (myosin XVA; plus strand). Cytogenetic location: 17p11.2.
Variant type: single nucleotide variant.
Coding change: c.8239G>A on transcript NM_016239.4 (MANE Select); coding-DNA position 8239, G replaced by A.
Protein change: p.Asp2747Asn; replaces aspartic acid 2747 with asparagine.
Molecular consequence: missense variant.
Genome position (GRCh38, 1-based): chr17:18,155,124, G>A. VCF-style: chr17-18155124-G-A. GRCh37 (hg19) VCF-style: chr17-18058438-G-A.
Other names: short protein forms D2747N.
Identifiers: ClinVar variation 322170 (VCV000322170.15), dbSNP rs374160194, ClinGen allele CA8425104.

ClinVar aggregate classification (germline): Conflicting classifications of pathogenicity. Review status: criteria provided, conflicting classifications (1 of 4 stars). 5 submissions from 5 submitters: Uncertain significance (4); Likely benign (1). Last evaluated 2026-02-04.

Conditions:
Inborn genetic diseases. Identifiers: MedGen C0950123, MeSH D030342.
Autosomal recessive nonsyndromic hearing loss 3. Also called: NEUROSENSORY NONSYNDROMIC RECESSIVE DEAFNESS 3. Identifiers: Orphanet 90636, MedGen C1838263, MONDO:0010860, OMIM 600316.

Allele frequency attached by ClinVar (database versions not stated): ExAC 0.00003; TOPMed 0.00005; gnomAD 0.00006; ESP Exome Variant Server 0.00008.

Submissions (5):

Labcorp Genetics (formerly Invitae), Labcorp
Classification: Likely benign. Last evaluated: 2026-02-04. Review status: criteria provided, single submitter. Criteria: Invitae Variant Classification Sherloc (09022015). Collection method: clinical testing. Allele origin: germline.

Ambry Genetics
Classification: Uncertain significance for Inborn genetic diseases. Last evaluated: 2025-01-09. Review status: criteria provided, single submitter. Criteria: Ambry Variant Classification Scheme 2023. Collection method: clinical testing. Allele origin: germline.

Blueprint Genetics
Classification: Uncertain significance. Last evaluated: 2024-10-29. Review status: criteria provided, single submitter. Criteria: ACMG Guidelines, 2015. Collection method: clinical testing. Allele origin: germline.

Laboratory for Molecular Medicine, Mass General Brigham Personalized Medicine
Classification: Uncertain significance. Last evaluated: 2018-09-26. Review status: criteria provided, single submitter. Criteria: LMM Criteria. Collection method: clinical testing. Allele origin: germline. Observed: 1 variant allele.
Comment: The p.Asp2747Asn variant in MYO15A has not been previously reported in individua ls with hearing loss but has been identified in 0.007% (9/125916) of European ch romosomes and 0.008% (2/23862) of African chromosomes by gnomAD. This variant has been reported in ClinVar (Variation ID 3221 70). Computational prediction tools and conservation analysis suggest that this variant may impact the protein, though this information is not predictive enough to determine pathogenicity. In summary, the clinical significance of this varia nt is uncertain. ACMG/AMP Criteria applied: PM2_Supporting, PP3.

Illumina Laboratory Services, Illumina
Classification: Uncertain significance for Autosomal recessive nonsyndromic hearing loss 3. Last evaluated: 2018-01-13. Review status: criteria provided, single submitter. Criteria: ICSL Variant Classification Criteria 13 December 2019. Collection method: clinical testing. Allele origin: germline.